The following is an entry in ClinVar:

NM_001332.4(CTNND2):c.2403G>A (p.Lys801=)

Gene: CTNND2 (catenin delta 2; minus strand). Cytogenetic location: 5p15.2.
Variant type: single nucleotide variant.
Coding change: c.2403G>A on transcript NM_001332.4 (MANE Select); coding-DNA position 2403, G replaced by A.
Protein change: p.Lys801=; no amino-acid change (lysine 801 retained).
Molecular consequence: synonymous variant. On other transcripts: non-coding transcript variant (1).
Genome position (GRCh38, 1-based): chr5:11,110,918, C>T on the plus strand (G>A on the coding strand, the complement: CTNND2 is on the minus strand). VCF-style: chr5-11110918-C-T. GRCh37 (hg19) VCF-style: chr5-11111030-C-T.
Other names: c.2130G>A, p.Lys710= (NM_001288715.1); c.1392G>A, p.Lys464= (NM_001288716.1, NM_001364128.2); c.1104G>A, p.Lys368= (NM_001288717.2); c.2403G>A (NM_001332.3).
Identifiers: ClinVar variation 1317365 (VCV001317365.4), dbSNP rs377601281, ClinGen allele CA3200598.

ClinVar aggregate classification (germline): Likely benign. Review status: criteria provided, single submitter (1 of 4 stars). 2 submissions from 2 submitters: Likely benign (1). 1 of the submissions does not count toward it. Last evaluated 2020-10-23.

Conditions:
CTNND2-related disorder. Also called: CTNND2-related condition.

Allele frequency attached by ClinVar (database versions not stated): gnomAD exomes 0.00007; ESP Exome Variant Server 0.00008; ExAC 0.00009; gnomAD 0.00013 and 0.00014; TOPMed 0.00017.
gnomAD v4.1: 483 of 1,614,024 alleles (0.03%); highest among the groups gnomAD compares: Non-Finnish European, 0.039%; 1 homozygote.

Submissions (2):

GeneDx
Classification: Likely benign. Last evaluated: 2020-10-23. Review status: criteria provided, single submitter. Criteria: GeneDx Variant Classification Process June 2021. Collection method: clinical testing. Allele origin: germline. Affected: yes.

PreventionGenetics, part of Exact Sciences
Classification: Likely benign for CTNND2-related condition. Last evaluated: 2024-01-12. Review status: no assertion criteria provided. Collection method: clinical testing. Allele origin: germline. Not counted in ClinVar's aggregate classification.
Comment: This variant is classified as likely benign based on ACMG/AMP sequence variant interpretation guidelines (Richards et al. 2015 PMID: 25741868, with internal and published modifications).